The following is an entry in ClinVar:

ClinVar aggregate classification (germline): Uncertain significance (1 of 4 stars; one submission).

Conditions:
Alpha thalassemia-X-linked intellectual disability syndrome (ATRX). Also called: ALPHA-THALASSEMIA/MENTAL RETARDATION SYNDROME, X-LINKED; ATR, NONDELETION TYPE; ATR-X syndrome; Alpha thalassemia mental retardation syndrome, nondeletion type, X-linked; XLMR hypotonic face syndrome; X-linked alpha-thalassemia-mental retardation syndrome. Identifiers: Orphanet 847, MedGen C1845055, MONDO:0010519, OMIM 301040.

Submission:

Labcorp Genetics (formerly Invitae), Labcorp
Classification: Uncertain significance for Alpha thalassemia-X-linked intellectual disability syndrome. Last evaluated: 2024-11-19. Review status: criteria provided, single submitter. Criteria: Invitae Variant Classification Sherloc (09022015). Collection method: clinical testing. Allele origin: germline.
Comment: This sequence change replaces arginine, which is basic and polar, with glycine, which is neutral and non-polar, at codon 1401 of the ATRX protein (p.Arg1401Gly). This variant is not present in population databases (gnomAD no frequency). This variant has not been reported in the literature in individuals affected with ATRX-related conditions. Invitae Evidence Modeling of protein sequence and biophysical properties (such as structural, functional, and spatial information, amino acid conservation, physicochemical variation, residue mobility, and thermodynamic stability) indicates that this missense variant is not expected to disrupt ATRX protein function with a negative predictive value of 95%. In summary, the available evidence is currently insufficient to determine the role of this variant in disease. Therefore, it has been classified as a Variant of Uncertain Significance.

NM_000489.6(ATRX):c.4201C>G (p.Arg1401Gly)

Gene: ATRX (ATRX chromatin remodeler; minus strand). Cytogenetic location: Xq21.1.
Variant type: single nucleotide variant.
Coding change: c.4201C>G on transcript NM_000489.6 (MANE Select); coding-DNA position 4201, C replaced by G.
Protein change: p.Arg1401Gly; replaces arginine 1401 with glycine.
Molecular consequence: missense variant.
Genome position (GRCh38, 1-based): chrX:77,656,573, G>C on the plus strand (C>G on the coding strand, the complement: ATRX is on the minus strand). VCF-style: chrX-77656573-G-C. GRCh37 (hg19) VCF-style: chrX-76912063-G-C.
Other names: c.4087C>G, p.Arg1363Gly (NM_138270.5); short protein forms R1363G, R1401G.
Identifiers: ClinVar variation 3634988 (VCV003634988.2).